The following is an entry in ClinVar:

NM_000484.4(APP):c.1016C>T (p.Ala339Val)

Gene: APP (amyloid beta precursor protein; minus strand). Cytogenetic location: 21q21.3.
Variant type: single nucleotide variant.
Coding change: c.1016C>T on transcript NM_000484.4 (MANE Select); coding-DNA position 1016, C replaced by T.
Protein change: p.Ala339Val; replaces alanine 339 with valine.
Molecular consequence: missense variant. On other transcripts: intron variant (5).
Genome position (GRCh38, 1-based): chr21:26,000,032, G>A on the plus strand (C>T on the coding strand, the complement: APP is on the minus strand). VCF-style: chr21-26000032-G-A. GRCh37 (hg19) VCF-style: chr21-27372347-G-A.
Other names: c.1001C>T, p.Ala334Val (NM_001136016.3); c.848C>T, p.Ala283Val (NM_001136130.3); c.1016C>T, p.Ala339Val (NM_001204301.2, NM_001204302.2, NM_201413.3); c.761-17555C>T (NM_001136131.3); c.698-17555C>T (NM_001136129.3); c.866-17555C>T (NM_001204303.2, NM_201414.3); c.866-2616C>T (NM_001385253.1); short protein forms A283V, A334V, A339V.
Identifiers: ClinVar variation 3907143 (VCV003907143.1).

ClinVar aggregate classification (germline): Uncertain significance (1 of 4 stars; one submission).

gnomAD v4.1: 59 of 1,614,058 alleles (0.0037%); highest among the groups gnomAD compares: Non-Finnish European, 0.0047%; no homozygotes.

Submission:

Women's Health and Genetics/Laboratory Corporation of America, LabCorp
Classification: Uncertain significance. Last evaluated: 2025-06-13. Review status: criteria provided, single submitter. Criteria: LabCorp Variant Classification Summary - May 2015. Collection method: clinical testing. Allele origin: germline.
Comment: Variant summary: APP c.1016C>T (p.Ala339Val) results in a non-conservative amino acid change in the encoded protein sequence. Algorithms developed to predict the effect of missense changes on protein structure and function are either unavailable or do not agree on the potential impact of this missense change. The variant allele was found at a frequency of 2.8e-05 in 251092 control chromosomes. The available data on variant occurrences in the general population are insufficient to allow any conclusion about variant significance. To our knowledge, no occurrence of c.1016C>T in individuals affected with Cerebral Amyloid Angiopathy, APP-Related and no experimental evidence demonstrating its impact on protein function have been reported. No submitters have cited clinical-significance assessments for this variant to ClinVar. Based on the evidence outlined above, the variant was classified as uncertain significance.